The following is an entry in ClinVar:

ClinVar aggregate classification (germline): Conflicting classifications of pathogenicity. Review status: criteria provided, conflicting classifications (1 of 4 stars). 3 submissions from 3 submitters: Uncertain significance (2); Likely benign (1). Last evaluated 2025-12-03.

Conditions:
Familial thoracic aortic aneurysm and aortic dissection (TAAD). Also called: Thoracic aortic aneurysms and dissections. Identifiers: Orphanet 91387, MedGen C4707243, MONDO:0019625.

Allele frequency attached by ClinVar (database versions not stated): gnomAD exomes below 0.00001; gnomAD 0.00001; TOPMed 0.00001.
gnomAD v4.1: 5 of 1,614,022 alleles (0.00031%); highest among the groups gnomAD compares: African/African-American, 0.0027%; no homozygotes.

Submissions (3):

Labcorp Genetics (formerly Invitae), Labcorp
Classification: Uncertain significance for Familial thoracic aortic aneurysm and aortic dissection. Last evaluated: 2025-12-03. Review status: criteria provided, single submitter. Criteria: Invitae Variant Classification Sherloc (09022015). Collection method: clinical testing. Allele origin: germline.
Comment: This sequence change replaces asparagine, which is neutral and polar, with serine, which is neutral and polar, at codon 157 of the TGFBR2 protein (p.Asn157Ser). This variant is not present in population databases (gnomAD no frequency). This variant has not been reported in the literature in individuals affected with TGFBR2-related conditions. ClinVar contains an entry for this variant (Variation ID: 2449728). Invitae Evidence Modeling of protein sequence and biophysical properties (such as structural, functional, and spatial information, amino acid conservation, physicochemical variation, residue mobility, and thermodynamic stability) indicates that this missense variant is not expected to disrupt TGFBR2 protein function with a negative predictive value of 95%. In summary, the available evidence is currently insufficient to determine the role of this variant in disease. Therefore, it has been classified as a Variant of Uncertain Significance.

GeneDx
Classification: Uncertain significance. Last evaluated: 2022-12-13. Review status: criteria provided, single submitter. Criteria: GeneDx Variant Classification Process June 2021. Collection method: clinical testing. Allele origin: germline. Affected: yes.
Comment: Not observed at significant frequency in large population cohorts (gnomAD); In silico analysis supports that this missense variant does not alter protein structure/function; Has not been previously published as pathogenic or benign to our knowledge

Ambry Genetics
Classification: Likely benign for Familial thoracic aortic aneurysm and aortic dissection. Last evaluated: 2022-11-19. Review status: criteria provided, single submitter. Criteria: Ambry Variant Classification Scheme 2023. Collection method: clinical testing. Allele origin: germline.

NM_003242.6(TGFBR2):c.470A>G (p.Asn157Ser)

Gene: TGFBR2 (transforming growth factor beta receptor 2; plus strand). Cytogenetic location: 3p24.1.
Variant type: single nucleotide variant.
Coding change: c.470A>G on transcript NM_003242.6 (MANE Select); coding-DNA position 470, A replaced by G.
Protein change: p.Asn157Ser; replaces asparagine 157 with serine.
Molecular consequence: missense variant. On other transcripts: intron variant (1).
Genome position (GRCh38, 1-based): chr3:30,671,653, A>G. VCF-style: chr3-30671653-A-G. GRCh37 (hg19) VCF-style: chr3-30713145-A-G.
Other names: c.545A>G, p.Asn182Ser (NM_001024847.3); c.653A>G, p.Asn218Ser (NM_001407126.1); c.578A>G, p.Asn193Ser (NM_001407127.1); c.497A>G, p.Asn166Ser (NM_001407128.1); c.473A>G, p.Asn158Ser (NM_001407129.1); c.470A>G, p.Asn157Ser (NM_001407130.1); c.365A>G, p.Asn122Ser (NM_001407132.1, NM_001407133.1, NM_001407134.1 and 2 more transcripts); c.185A>G, p.Asn62Ser (NM_001407137.1); and 2 more; short protein forms N182S, N158S, N166S, N193S, N62S, N122S, N157S, N218S.
Identifiers: ClinVar variation 2449728 (VCV002449728.4), dbSNP rs1014929115, ClinGen allele CA71527553.
Genomic context (GRCh38, chr3:30,671,653, plus strand): 5'-CTACCACATCCAACTCCTTCTCTCCTTGTTTTGTTTCCCCATCAGAATATAACACCAGCA[A>G]TCCTGACTTGTTGCTAGTCATATTTCAAGTGACAGGCATCAGCCTCCTGCCACCACTGGG-3'
Protein context (NP_003233.4, residues 147-167): IIFSEEYNTS[Asn157Ser]PDLLLVIFQV